The following is an entry in ClinVar:

ClinVar aggregate classification (germline): Pathogenic. Review status: criteria provided, multiple submitters, no conflicts (2 of 4 stars). 3 submissions from 3 submitters: Pathogenic (3). Last evaluated 2023-03-15.

Conditions:
Autosomal recessive limb-girdle muscular dystrophy type 2C (LGMDR5). Also called: MUSCULAR DYSTROPHY, LIMB-GIRDLE, AUTOSOMAL RECESSIVE 5; MUSCULAR DYSTROPHY, DUCHENNE-LIKE. Identifiers: Orphanet 353, MedGen C0410173, MONDO:0009677, OMIM 253700. Disease mechanism: Affects gamma-sarcoglycan and also disrupts the integrity of the entire sarcoglycan complex..

Submissions (3):

Baylor Genetics
Classification: Pathogenic for Autosomal recessive limb-girdle muscular dystrophy type 2C. Last evaluated: 2023-03-15. Review status: criteria provided, single submitter. Criteria: ACMG Guidelines, 2015. Collection method: clinical testing. Allele origin: unknown.

Labcorp Genetics (formerly Invitae), Labcorp
Classification: Pathogenic for Autosomal recessive limb-girdle muscular dystrophy type 2C. Last evaluated: 2021-03-25. Review status: criteria provided, single submitter. Criteria: Invitae Variant Classification Sherloc (09022015). Collection method: clinical testing. Allele origin: germline.
Comment: This variant has not been reported in the literature in individuals with SGCG-related conditions. ClinVar contains an entry for this variant (Variation ID: 283032). For these reasons, this variant has been classified as Pathogenic. This variant is not present in population databases (ExAC no frequency). This sequence change creates a premature translational stop signal (p.Phe151*) in the SGCG gene. It is expected to result in an absent or disrupted protein product. Loss-of-function variants in SGCG are known to be pathogenic (PMID: 18285821).

Eurofins Ntd Llc (ga)
Classification: Pathogenic. Last evaluated: 2015-09-18. Review status: criteria provided, single submitter. Criteria: EGL Classification Definitions 2015. Collection method: clinical testing. Allele origin: germline. Observed: 1 variant allele, 1 heterozygote.

Literature cited by the submitters: PubMed 18285821 (cited by Labcorp Genetics (formerly Invitae), Labcorp).

NM_000231.3(SGCG):c.452_458del (p.Leu150_Phe151insTer)

Gene: SGCG (sarcoglycan gamma; plus strand). Cytogenetic location: 13q12.12.
Variant type: Deletion.
Coding change: c.452_458del on transcript NM_000231.3 (MANE Select); coding-DNA positions 452 to 458, 7 bases deleted (TTACTGT; older notation c.452_458delTTACTGT).
Protein change: p.Leu150_Phe151insTer.
Molecular consequence: nonsense.
Genome position (GRCh38, 1-based): chr13:23,279,425-23,279,431, TTACTGT deleted; deleting any 7 consecutive bases within chr13:23,279,424-23,279,431 gives the same sequence; the c. name uses the placement nearest the transcript's 3' end. VCF-style (leftmost placement, unchanged base first): chr13-23279423-ATTTACTG-A. GRCh37 (hg19) VCF-style: chr13-23853562-ATTTACTG-A.
Other names: c.506_512del, p.Leu168_Phe169insTer (NM_001378244.1); c.452_458del, p.Leu150_Phe151insTer (NM_001378245.1, NM_001378246.1).
Identifiers: ClinVar variation 283032 (VCV000283032.11), dbSNP rs886042540, ClinGen allele CA10604375.